The following is an entry in ClinVar:

NM_019066.5(MAGEL2):c.1529A>T (p.Gln510Leu)

Gene: MAGEL2 (MAGE family member L2; minus strand). Cytogenetic location: 15q11.2.
Variant type: single nucleotide variant.
Coding change: c.1529A>T on transcript NM_019066.5 (MANE Select); coding-DNA position 1529, A replaced by T.
Protein change: p.Gln510Leu; replaces glutamine 510 with leucine.
Molecular consequence: missense variant.
Genome position (GRCh38, 1-based): chr15:23,646,214, T>A on the plus strand (A>T on the coding strand, the complement: MAGEL2 is on the minus strand). VCF-style: chr15-23646214-T-A. GRCh37 (hg19) VCF-style: chr15-23891361-T-A.
Other names: short protein forms Q510L.
Identifiers: ClinVar variation 5001988 (VCV005001988.1).

ClinVar aggregate classification (germline): Uncertain significance (1 of 4 stars; one submission).

Conditions:
MAGEL2-related disorder. Also called: MAGEL2-related condition.

Submission:

PreventionGenetics, part of Exact Sciences
Classification: Uncertain significance for MAGEL2-related condition. Last evaluated: 2025-05-09. Review status: criteria provided, single submitter. Criteria: ACMG Guidelines, 2015. Collection method: clinical testing. Allele origin: germline.
Comment: The MAGEL2 c.1529A>T variant is predicted to result in the amino acid substitution p.Gln510Leu. To our knowledge, this variant has not been reported in the literature or in a large population database (gnomAD), indicating this variant is rare. At this time, the clinical significance of this variant is uncertain due to the absence of conclusive functional and genetic evidence.